The following is an entry in ClinVar:

ClinVar aggregate classification (germline): Uncertain significance (1 of 4 stars; one submission).

gnomAD v4.1: 1 of 1,614,194 alleles (0.000062%); highest among the groups gnomAD compares: Non-Finnish European, 0.000085%; no homozygotes.

Submission:

CeGaT Center for Human Genetics Tuebingen
Classification: Uncertain significance. Last evaluated: 2025-06-01. Review status: criteria provided, single submitter. Criteria: CeGaT Center For Human Genetics Tuebingen Variant Classification Criteria Version 2. Collection method: clinical testing. Allele origin: germline. Affected: yes. Observed: 1 variant allele.
Comment: SLC32A1: PM2, PS2:Moderate

NM_080552.3(SLC32A1):c.611G>A (p.Arg204Gln)

Gene: SLC32A1 (solute carrier family 32 member 1; plus strand). Cytogenetic location: 20q11.23.
Variant type: single nucleotide variant.
Coding change: c.611G>A on transcript NM_080552.3 (MANE Select); coding-DNA position 611, G replaced by A.
Protein change: p.Arg204Gln; replaces arginine 204 with glutamine.
Molecular consequence: missense variant.
Genome position (GRCh38, 1-based): chr20:38,727,672, G>A. VCF-style: chr20-38727672-G-A. GRCh37 (hg19) VCF-style: chr20-37356315-G-A.
Other names: short protein forms R204Q.
Identifiers: ClinVar variation 3906075 (VCV003906075.10).